The following is an entry in ClinVar:

ClinVar aggregate classification (germline): Uncertain significance (1 of 4 stars; one submission).

Conditions:
Landau-Kleffner syndrome (FESD). Also called: APHASIA, ACQUIRED, WITH EPILEPSY; EPILEPSY, FOCAL, WITH SPEECH DISORDER AND WITH OR WITHOUT MENTAL RETARDATION. Identifiers: Orphanet 1945, Orphanet 725, Orphanet 98818, MedGen C0282512, MONDO:0009509, OMIM 245570.

Submission:

New York Genome Center
Classification: Uncertain significance for Landau-Kleffner syndrome. Last evaluated: 2021-02-05. Review status: criteria provided, single submitter. Criteria: NYGC Assertion Criteria 2020. Collection method: clinical testing. Allele origin: de novo. Observed: 1 heterozygote. Study: CSER-NYCKidSeq.
Comment: The de novo c.1007+5923G>C variant identified in the GRIN2A gene substitutes a moderately conserved Guanine for Cytosine within intron 3/12. This variant is absent from gnomAD(v3.1) suggesting it is not a common benign variant in the populations represented in that database. In silico splicing predictors do not predict this variant to significantly alter splicing (SpliceAI=0.00; TraP score-percentile=0.014). This variant has not been previously reported in ClinVar and to our current knowledge has not been reported in affected individuals in the literature. While it is identified de novo and is absent in population databases, the lack of additional compelling evidence for its pathogenicity leads to the classification as a Variant of Uncertain Significance.

NM_001134407.3(GRIN2A):c.1007+5923G>C

Gene: GRIN2A (glutamate ionotropic receptor NMDA type subunit 2A; minus strand). Cytogenetic location: 16p13.2.
Variant type: single nucleotide variant.
Coding change: c.1007+5923G>C on transcript NM_001134407.3 (MANE Select); 5923 bases into the intron after coding-DNA position 1007, G replaced by C.
Molecular consequence: intron variant.
Genome position (GRCh38, 1-based): chr16:9,932,036, C>G on the plus strand (G>C on the coding strand, the complement: GRIN2A is on the minus strand). VCF-style: chr16-9932036-C-G. GRCh37 (hg19) VCF-style: chr16-10025893-C-G.
Other names: c.1007+5923G>C (NM_001134408.2, NM_000833.5).
Identifiers: ClinVar variation 1341774 (VCV001341774.1), dbSNP rs2141611422, ClinGen allele CA2573054323.
Genomic context (GRCh38, chr16:9,932,036, plus strand): 5'-AGAGCTTTAAGCACCAGAGGAAATAAATAAAAGCTACCAAAAAGCAGCTTGGAAAATAAT[C>G]ACAGAGCATTGAGTCACCCAGATCCTACTCCTCTTGTTAGGTGCTGTGCTTTAGCATAAG-3'